The following is an entry in ClinVar:

NM_001849.4(COL6A2):c.140T>C (p.Val47Ala)

Gene: COL6A2 (collagen type VI alpha 2 chain; plus strand). Cytogenetic location: 21q22.3.
Variant type: single nucleotide variant.
Coding change: c.140T>C on transcript NM_001849.4 (MANE Select); coding-DNA position 140, T replaced by C.
Protein change: p.Val47Ala; replaces valine 47 with alanine.
Molecular consequence: missense variant.
Genome position (GRCh38, 1-based): chr21:46,112,003, T>C. VCF-style: chr21-46112003-T-C. GRCh37 (hg19) VCF-style: chr21-47531917-T-C.
Other names: c.140T>C, p.Val47Ala (NM_058174.3, NM_058175.3); short protein forms V47A.
Identifiers: ClinVar variation 1428920 (VCV001428920.8), dbSNP rs2123614177, ClinGen allele CA410519991.

ClinVar aggregate classification (germline): Uncertain significance (1 of 4 stars; one submission).

Conditions:
Bethlem myopathy 1A. Also called: MYOPATHY, BENIGN CONGENITAL, WITH CONTRACTURES; Bethlem Muscular Dystrophy; Bethlem myopathy 1. Identifiers: Orphanet 610, MedGen CN029274, MONDO:0024530, OMIM 158810.

Allele frequency attached by ClinVar (database versions not stated): gnomAD exomes 0.00003.
gnomAD v4.1: 21 of 1,612,458 alleles (0.0013%); highest among the groups gnomAD compares: Non-Finnish European, 0.0018%; no homozygotes.

Submission:

Labcorp Genetics (formerly Invitae), Labcorp
Classification: Uncertain significance for Bethlem myopathy 1A. Last evaluated: 2025-10-02. Review status: criteria provided, single submitter. Criteria: Invitae Variant Classification Sherloc (09022015). Collection method: clinical testing. Allele origin: germline.
Comment: This sequence change replaces valine, which is neutral and non-polar, with alanine, which is neutral and non-polar, at codon 47 of the COL6A2 protein (p.Val47Ala). This variant is not present in population databases (gnomAD no frequency). This variant has not been reported in the literature in individuals affected with COL6A2-related conditions. ClinVar contains an entry for this variant (Variation ID: 1428920). Invitae Evidence Modeling of protein sequence and biophysical properties (such as structural, functional, and spatial information, amino acid conservation, physicochemical variation, residue mobility, and thermodynamic stability) indicates that this missense variant is expected to disrupt COL6A2 protein function with a positive predictive value of 80%. In summary, the available evidence is currently insufficient to determine the role of this variant in disease. Therefore, it has been classified as a Variant of Uncertain Significance.